The following is an entry in ClinVar:

NM_032119.4(ADGRV1):c.17518T>C (p.Tyr5840His)

Gene: ADGRV1 (adhesion G protein-coupled receptor V1; plus strand). Cytogenetic location: 5q14.3.
Variant type: single nucleotide variant.
Coding change: c.17518T>C on transcript NM_032119.4 (MANE Select); coding-DNA position 17518, T replaced by C.
Protein change: p.Tyr5840His; replaces tyrosine 5840 with histidine.
Molecular consequence: missense variant. On other transcripts: non-coding transcript variant (1).
Genome position (GRCh38, 1-based): chr5:90,854,125, T>C. VCF-style: chr5-90854125-T-C. GRCh37 (hg19) VCF-style: chr5-90149942-T-C.
Other names: c.17518T>C (NM_032119.3); short protein forms Y5840H.
Identifiers: ClinVar variation 1042825 (VCV001042825.13), dbSNP rs757218098, ClinGen allele CA3342387.
Genomic context (GRCh38, chr5:90,854,125, plus strand): 5'-TTATCTTTGAGTGTGAAAGGTCAGAGTTCACAACTCCTGACTAATGACAATGAGGTTCTC[T>C]ACAGGATTTATGCTGCTGAGCCTAGAATTATTCCTCAGACATCTCTGTGTCTCCTTTGGA-3'
Protein context (NP_115495.3, residues 5830-5850): QLLTNDNEVL[Tyr5840His]RIYAAEPRII

ClinVar aggregate classification (germline): Conflicting classifications of pathogenicity. Review status: criteria provided, conflicting classifications (1 of 4 stars). 5 submissions from 5 submitters: Uncertain significance (4); Likely benign (1). Last evaluated 2025-06-23.

Conditions:
Febrile seizures, familial, 4 (FEB4). Also called: CONVULSIONS, FAMILIAL FEBRILE, 4. Identifiers: MedGen C1858493, MONDO:0011443, OMIM 604352.
Usher syndrome type 2C. Also called: USHER SYNDROME, TYPE IIC; Usher syndrome, type 2B. Identifiers: Orphanet 231178, Orphanet 886, MedGen C2931213, MONDO:0011558, OMIM 605472.
Inborn genetic diseases. Identifiers: MedGen C0950123, MeSH D030342.

Allele frequency attached by ClinVar (database versions not stated): gnomAD exomes 0.00001 and 0.00006; gnomAD 0.00002; TOPMed 0.00003; ExAC 0.00008.
gnomAD v4.1: 16 of 1,576,274 alleles (0.001%); highest among the groups gnomAD compares: Admixed American, 0.027%; no homozygotes.

Submissions (5):

Ambry Genetics
Classification: Uncertain significance for Inborn genetic diseases. Last evaluated: 2025-06-23. Review status: criteria provided, single submitter. Criteria: Ambry Variant Classification Scheme 2023. Collection method: clinical testing. Allele origin: germline.

Labcorp Genetics (formerly Invitae), Labcorp
Classification: Likely benign. Last evaluated: 2025-03-01. Review status: criteria provided, single submitter. Criteria: Invitae Variant Classification Sherloc (09022015). Collection method: clinical testing. Allele origin: germline.

GeneDx
Classification: Uncertain significance. Last evaluated: 2022-07-18. Review status: criteria provided, single submitter. Criteria: GeneDx Variant Classification Process June 2021. Collection method: clinical testing. Allele origin: germline. Affected: yes.
Comment: In silico analysis supports that this missense variant has a deleterious effect on protein structure/function; Has not been previously published as pathogenic or benign to our knowledge

Fulgent Genetics
Classification: Uncertain significance for Febrile seizures, familial, 4; Usher syndrome type 2C. Last evaluated: 2021-10-27. Review status: criteria provided, single submitter. Criteria: ACMG Guidelines, 2015. Collection method: clinical testing. Allele origin: unknown.

Revvity Omics, Revvity
Classification: Uncertain significance. Last evaluated: 2021-10-08. Review status: criteria provided, single submitter. Criteria: ACMG Guidelines, 2015. Collection method: clinical testing. Allele origin: germline.